The following is an entry in ClinVar:

NM_002768.5(CHMP1A):c.*68C>G

Gene: CHMP1A (charged multivesicular body protein 1A; minus strand). Cytogenetic location: 16q24.3.
Variant type: single nucleotide variant.
Coding change: c.*68C>G on transcript NM_002768.5 (MANE Select); 68 bases downstream of the stop codon, C replaced by G.
Molecular consequence: 3 prime UTR variant. On other transcripts: synonymous variant (1), non-coding transcript variant (1).
Genome position (GRCh38, 1-based): chr16:89,645,998, G>C on the plus strand (C>G on the coding strand, the complement: CHMP1A is on the minus strand). VCF-style: chr16-89645998-G-C. GRCh37 (hg19) VCF-style: chr16-89712406-G-C.
Other names: c.639C>G, p.Thr213= (NM_001083314.4); c.639C>G (NM_001083314.3).
Identifiers: ClinVar variation 2647118 (VCV002647118.25), dbSNP rs367970292, ClinGen allele CA8246892.

ClinVar aggregate classification (germline): Likely benign. Review status: criteria provided, single submitter (1 of 4 stars). 2 submissions from 2 submitters: Likely benign (1). 1 of the submissions does not count toward it. Last evaluated 2023-06-01.

Conditions:
CHMP1A-related disorder. Also called: CHMP1A-related condition.

Allele frequency attached by ClinVar (database versions not stated): 1000 Genomes Project 30x 0.00109; 1000 Genomes Project 0.00140.

Submissions (2):

CeGaT Center for Human Genetics Tuebingen
Classification: Likely benign. Last evaluated: 2023-06-01. Review status: criteria provided, single submitter. Criteria: CeGaT Center For Human Genetics Tuebingen Variant Classification Criteria Version 2. Collection method: clinical testing. Allele origin: germline. Affected: yes. Observed: 1 variant allele.
Comment: CHMP1A: BP4, BP7

PreventionGenetics, part of Exact Sciences
Classification: Likely benign for CHMP1A-related condition. Last evaluated: 2019-04-22. Review status: no assertion criteria provided. Collection method: clinical testing. Allele origin: germline. Not counted in ClinVar's aggregate classification.
Comment: This variant is classified as likely benign based on ACMG/AMP sequence variant interpretation guidelines (Richards et al. 2015 PMID: 25741868, with internal and published modifications).